The following is an entry in ClinVar:

ClinVar aggregate classification (germline): Uncertain significance (0 of 4 stars; one submission).

Conditions:
CHD4-related disorder. Also called: CHD4-related condition.

Allele frequency attached by ClinVar (database versions not stated): gnomAD 0.00001; gnomAD exomes 0.00001; TOPMed 0.00003.
gnomAD v4.1: 19 of 1,613,950 alleles (0.0012%); highest among the groups gnomAD compares: Non-Finnish European, 0.0015%; no homozygotes.

Submission:

PreventionGenetics, part of Exact Sciences
Classification: Uncertain significance for CHD4-related condition. Last evaluated: 2023-11-21. Review status: no assertion criteria provided. Collection method: clinical testing. Allele origin: germline.
Comment: The CHD4 c.979A>T variant is predicted to result in the amino acid substitution p.Asn327Tyr. To our knowledge, this variant has not been reported in the literature or in a large population database, indicating this variant is rare. At this time, the clinical significance of this variant is uncertain due to the absence of conclusive functional and genetic evidence.

NM_001273.5(CHD4):c.979A>T (p.Asn327Tyr)

Gene: CHD4 (chromodomain helicase DNA binding protein 4; minus strand). Cytogenetic location: 12p13.31.
Variant type: single nucleotide variant.
Coding change: c.979A>T on transcript NM_001273.5 (MANE Select); coding-DNA position 979, A replaced by T.
Protein change: p.Asn327Tyr; replaces asparagine 327 with tyrosine.
Molecular consequence: missense variant.
Genome position (GRCh38, 1-based): chr12:6,600,618, T>A on the plus strand (A>T on the coding strand, the complement: CHD4 is on the minus strand). VCF-style: chr12-6600618-T-A. GRCh37 (hg19) VCF-style: chr12-6709784-T-A.
Other names: c.958A>T, p.Asn320Tyr (NM_001297553.2); c.979A>T, p.Asn327Tyr (NM_001363606.2); short protein forms N320Y, N327Y.
Identifiers: ClinVar variation 2635329 (VCV002635329.3), dbSNP rs936172107, ClinGen allele CA232399211.